The following is an entry in ClinVar:

ClinVar aggregate classification (germline): Likely benign. Review status: criteria provided, multiple submitters, no conflicts (2 of 4 stars). 4 submissions from 4 submitters: Likely benign (4). Last evaluated 2023-01-06.

Conditions:
Long QT syndrome (LQTS). Identifiers: MedGen C0023976, MeSH D008133, MONDO:0002442. Disease mechanism: loss of function. Inheritance: Various modes of inheritance.
Cardiovascular phenotype. Identifiers: MedGen CN230736.

Allele frequency attached by ClinVar (database versions not stated): TOPMed 0.00002; 1000 Genomes Project 30x 0.00016.
gnomAD v4.1: 17 of 1,416,676 alleles (0.0012%); highest among the groups gnomAD compares: Admixed American, 0.0058%; no homozygotes.

Submissions (4):

Labcorp Genetics (formerly Invitae), Labcorp
Classification: Likely benign for Long QT syndrome. Last evaluated: 2023-01-06. Review status: criteria provided, single submitter. Criteria: Invitae Variant Classification Sherloc (09022015). Collection method: clinical testing. Allele origin: germline.

Blueprint Genetics
Classification: Likely benign. Last evaluated: 2022-10-28. Review status: criteria provided, single submitter. Criteria: ACMG Guidelines, 2015. Collection method: clinical testing. Allele origin: germline.

Ambry Genetics
Classification: Likely benign for Cardiovascular phenotype. Last evaluated: 2019-11-20. Review status: criteria provided, single submitter. Criteria: Ambry Variant Classification Scheme 2023. Collection method: clinical testing. Allele origin: germline.

GeneDx
Classification: Likely benign. Last evaluated: 2017-07-10. Review status: criteria provided, single submitter. Criteria: GeneDx Variant Classification (06012015). Collection method: clinical testing. Allele origin: germline. Affected: yes.
Comment: This variant is considered likely benign or benign based on one or more of the following criteria: it is a conservative change, it occurs at a poorly conserved position in the protein, it is predicted to be benign by multiple in silico algorithms, and/or has population frequency not consistent with disease.

NM_003098.3(SNTA1):c.240G>A (p.Ala80=)

Gene: SNTA1 (syntrophin alpha 1; minus strand). Cytogenetic location: 20q11.21.
Variant type: single nucleotide variant.
Coding change: c.240G>A on transcript NM_003098.3 (MANE Select); coding-DNA position 240, G replaced by A.
Protein change: p.Ala80=; no amino-acid change (alanine 80 retained).
Molecular consequence: synonymous variant.
Genome position (GRCh38, 1-based): chr20:33,443,381, C>T on the plus strand (G>A on the coding strand, the complement: SNTA1 is on the minus strand). VCF-style: chr20-33443381-C-T. GRCh37 (hg19) VCF-style: chr20-32031187-C-T.
Identifiers: ClinVar variation 516864 (VCV000516864.13), dbSNP rs765352601, ClinGen allele CA510470494.